The following is an entry in ClinVar:

NM_001111125.3(IQSEC2):c.2433G>C (p.Gln811His)

Gene: IQSEC2 (IQ motif and Sec7 domain ArfGEF 2; minus strand). Cytogenetic location: Xp11.22.
Variant type: single nucleotide variant.
Coding change: c.2433G>C on transcript NM_001111125.3 (MANE Select); coding-DNA position 2433, G replaced by C.
Protein change: p.Gln811His; replaces glutamine 811 with histidine.
Molecular consequence: missense variant.
Genome position (GRCh38, 1-based): chrX:53,248,747, C>G on the plus strand (G>C on the coding strand, the complement: IQSEC2 is on the minus strand). VCF-style: chrX-53248747-C-G. GRCh37 (hg19) VCF-style: chrX-53277929-C-G.
Other names: c.2433G>C, p.Gln811His (NM_001410736.1); c.1818G>C, p.Gln606His (NM_015075.2); short protein forms Q811H, Q606H.
Identifiers: ClinVar variation 3634901 (VCV003634901.2).
Genomic context (GRCh38, chrX:53,248,747, plus strand): 5'-CCTGGCCCAGCCTGCCCCATCCTGGGGTCCTCACTCCAACACGTCTCTGTTGAACTGCTT[C>G]TGCCGGTTCCCTAGGAATTCCCCTATCATCTGCCGGCTGAGGCCTTTCCGCTCCAGGATG-3'
Protein context (NP_001104595.1, residues 801-821): QMIGEFLGNR[Gln811His]KQFNRDVLDC

ClinVar aggregate classification (germline): Uncertain significance (1 of 4 stars; one submission).

Conditions:
Intellectual developmental disorder, X-linked 1. Also called: Atkin Flaitz Patil Smith syndrome; MENTAL RETARDATION, X-LINKED 18; MENTAL RETARDATION, X-LINKED 78; Intellectual disability, X-linked 1. Identifiers: Orphanet 777, MedGen C2931498, MONDO:0010656, OMIM 309530.

Submission:

Labcorp Genetics (formerly Invitae), Labcorp
Classification: Uncertain significance for Intellectual developmental disorder, X-linked 1. Last evaluated: 2024-05-09. Review status: criteria provided, single submitter. Criteria: Invitae Variant Classification Sherloc (09022015). Collection method: clinical testing. Allele origin: germline.
Comment: This sequence change replaces glutamine, which is neutral and polar, with histidine, which is basic and polar, at codon 811 of the IQSEC2 protein (p.Gln811His). This variant is not present in population databases (gnomAD no frequency). This variant has not been reported in the literature in individuals affected with IQSEC2-related conditions. Advanced modeling of protein sequence and biophysical properties (such as structural, functional, and spatial information, amino acid conservation, physicochemical variation, residue mobility, and thermodynamic stability) performed at Invitae indicates that this missense variant is not expected to disrupt IQSEC2 protein function with a negative predictive value of 95%. In summary, the available evidence is currently insufficient to determine the role of this variant in disease. Therefore, it has been classified as a Variant of Uncertain Significance.